The following is an entry in ClinVar:

ClinVar aggregate classification (germline): Pathogenic (1 of 4 stars; one submission).

Conditions:
Marfan syndrome (MFS). Also called: MARFAN SYNDROME, TYPE I; Marfan syndrome type 1; Marfan's syndrome; Marfan syndrome, classic; FBN1-Related Marfan Syndrome. Identifiers: Orphanet 284963, Orphanet 558, MedGen C0024796, MONDO:0007947, OMIM 154700.
Familial thoracic aortic aneurysm and aortic dissection (TAAD). Also called: Thoracic aortic aneurysms and dissections. Identifiers: Orphanet 91387, MedGen C4707243, MONDO:0019625.

Submission:

Labcorp Genetics (formerly Invitae), Labcorp
Classification: Pathogenic for Marfan syndrome; Familial thoracic aortic aneurysm and aortic dissection. Last evaluated: 2023-01-08. Review status: criteria provided, single submitter. Criteria: Invitae Variant Classification Sherloc (09022015). Collection method: clinical testing. Allele origin: unknown.
Comment: For these reasons, this variant has been classified as Pathogenic. This variant disrupts a region of the FBN1 protein in which other variant(s) (p.Cys1402Trp) have been determined to be pathogenic (PMID: 10486319). This suggests that this is a clinically significant region of the protein, and that variants that disrupt it are likely to be disease-causing. This variant has not been reported in the literature in individuals affected with FBN1-related conditions. This variant is a gross deletion of the genomic region encompassing exon(s) 33-34 of the FBN1 gene. This variant would be expected to be in-frame, preserving the integrity of the reading frame.

Literature cited by the submitters: PubMed 10486319.

NC_000015.9:g.(?_48766432)_(48766867_?)del

Gene: FBN1 (fibrillin 1; minus strand). Cytogenetic location: 15q21.1.
Variant type: Deletion.
Identifiers: ClinVar variation 3243723 (VCV003243723.1).